The following is an entry in ClinVar:

NM_007294.4(BRCA1):c.1403del (p.Lys468fs)

Gene: BRCA1 (BRCA1 DNA repair associated; minus strand). Cytogenetic location: 17q21.31.
Variant type: Deletion.
Coding change: c.1403del on transcript NM_007294.4 (MANE Select); coding-DNA position 1403, one base deleted (A; older notation c.1403delA).
Protein change: p.Lys468fs; shifts the reading frame from lysine 468.
Molecular consequence: frameshift variant. On other transcripts: intron variant (137).
Genome position (GRCh38, 1-based): chr17:43,094,128, T deleted on the plus strand (A on the coding strand, the reverse complement: BRCA1 is on the minus strand); the first of 2 consecutive T bases (chr17:43,094,128-43,094,129); deleting either gives the same sequence. VCF-style (leftmost placement, unchanged base first): chr17-43094127-CT-C. GRCh37 (hg19) VCF-style: chr17-41246144-CT-C.
Other names: 1522delA; c.1403delA (NM_007294.3, NM_007294.4); c.1190del, p.Lys397fs (NM_001407917.1, NM_001407918.1, NM_001407571.1 and 9 more transcripts); c.1280del, p.Lys427fs (NM_001407919.1, NM_001407937.1, NM_001407938.1 and 19 more transcripts); c.1139del, p.Lys380fs (NM_001407920.1, NM_001407921.1, NM_001407922.1 and 9 more transcripts); c.1136del, p.Lys379fs (NM_001407930.1, NM_001407931.1, NM_001407932.1 and 2 more transcripts); c.1277del, p.Lys426fs (NM_001407940.1, NM_001407941.1, NM_001407649.1 and 11 more transcripts); c.1262del, p.Lys421fs (NM_001407942.1, NM_001407944.1, NM_001407945.1 and 29 more transcripts); and 42 more; short protein forms K421fs, K468fs, K397fs, K398fs, K467fs, K340fs, K401fs, K426fs.
Identifiers: ClinVar variation 54243 (VCV000054243.8), dbSNP rs397508870, ClinGen allele CA000946.

ClinVar aggregate classification (germline): Pathogenic. Review status: reviewed by expert panel (3 of 4 stars). 3 submissions from 3 submitters: Pathogenic (1). 2 of the submissions do not count toward it. Last evaluated 2016-10-18.

Conditions:
Breast and/or ovarian cancer. Identifiers: MedGen CN221562.
Breast-ovarian cancer, familial, susceptibility to, 1 (BROVCA1). Also called: OVARIAN CANCER, SUSCEPTIBILITY TO; BRCA1 Hereditary Breast and Ovarian Cancer. Identifiers: Orphanet 145, MedGen C2676676, MONDO:0011450, OMIM 604370. Disease mechanism: loss of function.

Submissions (3):

Evidence-based Network for the Interpretation of Germline Mutant Alleles (ENIGMA)
Classification: Pathogenic for Breast-ovarian cancer, familial, susceptibility to, 1. Last evaluated: 2016-10-18. Review status: reviewed by expert panel. Criteria: ENIGMA BRCA1/2 Classification Criteria (2015). Collection method: curation. Allele origin: germline.
Comment: Variant allele predicted to encode a truncated non-functional protein.

Consortium of Investigators of Modifiers of BRCA1/2 (CIMBA), c/o University of Cambridge
Classification: Pathogenic for Breast-ovarian cancer, familial, susceptibility to, 1. Last evaluated: 2015-10-02. Review status: criteria provided, single submitter. Criteria: CIMBA Mutation Classification guidelines May 2016. Collection method: clinical testing. Allele origin: germline. Not counted in ClinVar's aggregate classification.

CZECANCA consortium
Classification: Pathogenic for Breast and/or ovarian cancer. Last evaluated: 2019-06-11. Review status: no assertion criteria provided. Collection method: clinical testing. Allele origin: germline. Affected: yes. Observed: 1 variant allele. Not counted in ClinVar's aggregate classification.

Literature cited by the submitters: PubMed 32295079 (cited by CZECANCA consortium).